The following is an entry in ClinVar:

ClinVar aggregate classification (germline): Uncertain significance (1 of 4 stars; one submission).

Conditions:
Inborn genetic diseases. Identifiers: MedGen C0950123, MeSH D030342.

Allele frequency attached by ClinVar (database versions not stated): ExAC 0.00001; gnomAD exomes 0.00002.
gnomAD v4.1: 24 of 1,614,166 alleles (0.0015%); highest among the groups gnomAD compares: Non-Finnish European, 0.0019%; no homozygotes.

Submission:

Ambry Genetics
Classification: Uncertain significance for Inborn genetic diseases. Last evaluated: 2021-12-20. Review status: criteria provided, single submitter. Criteria: Ambry Variant Classification Scheme 2023. Collection method: clinical testing. Allele origin: germline.
Comment: The p.G1013E variant (also known as c.3038G>A), located in coding exon 23 of the BUB1B gene, results from a G to A substitution at nucleotide position 3038. The glycine at codon 1013 is replaced by glutamic acid, an amino acid with similar properties. This amino acid position is conserved. In addition, this alteration is predicted to be tolerated by in silico analysis. Since supporting evidence is limited at this time, the clinical significance of this alteration remains unclear.

NM_001211.6(BUB1B):c.3038G>A (p.Gly1013Glu)

Genes: BUB1B (BUB1 mitotic checkpoint serine/threonine kinase B; plus strand), BUB1B-PAK6 (BUB1B-PAK6 readthrough; plus strand). Cytogenetic location: 15q15.1.
Variant type: single nucleotide variant.
Coding change: c.3038G>A on transcript NM_001211.6 (MANE Select); coding-DNA position 3038, G replaced by A.
Protein change: p.Gly1013Glu; replaces glycine 1013 with glutamic acid.
Molecular consequence: missense variant. On other transcripts: intron variant (2).
Genome position (GRCh38, 1-based): chr15:40,220,644, G>A. VCF-style: chr15-40220644-G-A. GRCh37 (hg19) VCF-style: chr15-40512845-G-A.
Other names: c.-201+2977G>A (NM_001128628.3); c.-118+2977G>A (NM_001128629.3); short protein forms G1013E.
Identifiers: ClinVar variation 1799106 (VCV001799106.2), dbSNP rs755017710, ClinGen allele CA7476187.